The following is an entry in ClinVar:

ClinVar aggregate classification (germline): Pathogenic (1 of 4 stars; one submission).

Conditions:
Kostmann syndrome (SCN3). Also called: KOSTMANN DISEASE; Autosomal recessive severe congenital neutropenia type 3. Identifiers: Orphanet 99749, MedGen C5235141, MONDO:0012548, OMIM 610738.

Submission:

Labcorp Genetics (formerly Invitae), Labcorp
Classification: Pathogenic for Kostmann syndrome. Last evaluated: 2022-09-29. Review status: criteria provided, single submitter. Criteria: Invitae Variant Classification Sherloc (09022015). Collection method: clinical testing. Allele origin: germline.
Comment: For these reasons, this variant has been classified as Pathogenic. This variant has not been reported in the literature in individuals affected with HAX1-related conditions. This variant is not present in population databases (gnomAD no frequency). This sequence change creates a premature translational stop signal (p.Trp173*) in the HAX1 gene. It is expected to result in an absent or disrupted protein product. Loss-of-function variants in HAX1 are known to be pathogenic (PMID: 17187068).

Literature cited by the submitters: PubMed 17187068.

NM_006118.4(HAX1):c.518G>A (p.Trp173Ter)

Gene: HAX1 (HCLS1 associated protein X-1; plus strand). Cytogenetic location: 1q21.3.
Variant type: single nucleotide variant.
Coding change: c.518G>A on transcript NM_006118.4 (MANE Select); coding-DNA position 518, G replaced by A.
Protein change: p.Trp173Ter; replaces tryptophan 173 with a stop codon.
Molecular consequence: nonsense.
Genome position (GRCh38, 1-based): chr1:154,274,963, G>A. VCF-style: chr1-154274963-G-A. GRCh37 (hg19) VCF-style: chr1-154247439-G-A.
Other names: c.374G>A, p.Trp125Ter (NM_001018837.2); short protein forms W125*, W173*.
Identifiers: ClinVar variation 2033309 (VCV002033309.4), dbSNP rs2524937073, ClinGen allele CA342593037.